The following is an entry in ClinVar:

ClinVar aggregate classification (germline): Uncertain significance (1 of 4 stars; one submission).

Conditions:
Glycogen storage disease, type II (IOPD). Also called: POMPE DISEASE, INFANTILE-ONSET; GLYCOGEN STORAGE DISEASE II, INFANTILE-ONSET; ACID ALPHA-GLUCOSIDASE DEFICIENCY, INFANTILE-ONSET; GAA DEFICIENCY, INFANTILE-ONSET; ACID MALTASE DEFICIENCY, INFANTILE-ONSET; GLYCOGENOSIS, GENERALIZED, CARDIAC FORM. Identifiers: Orphanet 365, MedGen C0017921, MONDO:0009290, OMIM 232300.

Allele frequency attached by ClinVar (database versions not stated): gnomAD exomes below 0.00001; ExAC 0.00001.

Submission:

Labcorp Genetics (formerly Invitae), Labcorp
Classification: Uncertain significance for Glycogen storage disease, type II. Last evaluated: 2022-03-11. Review status: criteria provided, single submitter. Criteria: Invitae Variant Classification Sherloc (09022015). Collection method: clinical testing. Allele origin: germline.
Comment: In summary, the available evidence is currently insufficient to determine the role of this variant in disease. Therefore, it has been classified as a Variant of Uncertain Significance. Advanced modeling of protein sequence and biophysical properties (such as structural, functional, and spatial information, amino acid conservation, physicochemical variation, residue mobility, and thermodynamic stability) performed at Invitae indicates that this missense variant is not expected to disrupt GAA protein function. This variant has not been reported in the literature in individuals affected with GAA-related conditions. This variant is present in population databases (rs758058898, gnomAD 0.0009%). This sequence change replaces valine, which is neutral and non-polar, with aspartic acid, which is acidic and polar, at codon 200 of the GAA protein (p.Val200Asp).

NM_000152.5(GAA):c.599T>A (p.Val200Asp)

Gene: GAA (alpha glucosidase; plus strand). Cytogenetic location: 17q25.3.
Variant type: single nucleotide variant.
Coding change: c.599T>A on transcript NM_000152.5 (MANE Select); coding-DNA position 599, T replaced by A.
Protein change: p.Val200Asp; replaces valine 200 with aspartic acid.
Molecular consequence: missense variant.
Genome position (GRCh38, 1-based): chr17:80,105,801, T>A. VCF-style: chr17-80105801-T-A. GRCh37 (hg19) VCF-style: chr17-78079600-T-A.
Other names: c.599T>A, p.Val200Asp (NM_001079803.3, NM_001079804.3, NM_001406741.1 and 1 more transcripts); short protein forms V200D.
Identifiers: ClinVar variation 2414637 (VCV002414637.7), dbSNP rs758058898, ClinGen allele CA8814938.